The following is an entry in ClinVar:

ClinVar aggregate classification (germline): Uncertain significance. Review status: criteria provided, multiple submitters, no conflicts (2 of 4 stars). 2 submissions from 2 submitters: Uncertain significance (2). Last evaluated 2026-06-07.

Conditions:
PNPT1-related disorder. Also called: PNPT1-related condition; PNPT1-related disorders.

Allele frequency attached by ClinVar (database versions not stated): ExAC 0.00001; gnomAD exomes 0.00001; gnomAD 0.00002.
gnomAD v4.1: 9 of 1,612,854 alleles (0.00056%); highest among the groups gnomAD compares: Non-Finnish European, 0.00068%; no homozygotes.

Submissions (2):

PreventionGenetics, part of Exact Sciences
Classification: Uncertain significance for PNPT1-related condition. Last evaluated: 2026-06-07. Review status: criteria provided, single submitter. Criteria: ACMG Guidelines, 2015. Collection method: clinical testing. Allele origin: germline.
Comment: The PNPT1 c.1355C>T variant is predicted to result in the amino acid substitution p.Ala452Val. To our knowledge, this variant has not been reported in the literature. This variant is reported in 0.0018% of alleles in individuals of European (Non-Finnish) descent in gnomAD. At this time, the clinical significance of this variant is uncertain due to the absence of conclusive functional and genetic evidence.

Labcorp Genetics (formerly Invitae), Labcorp
Classification: Uncertain significance. Last evaluated: 2022-06-20. Review status: criteria provided, single submitter. Criteria: Invitae Variant Classification Sherloc (09022015). Collection method: clinical testing. Allele origin: germline.
Comment: This sequence change replaces alanine, which is neutral and non-polar, with valine, which is neutral and non-polar, at codon 452 of the PNPT1 protein (p.Ala452Val). This variant is present in population databases (rs376803449, gnomAD 0.002%). This variant has not been reported in the literature in individuals affected with PNPT1-related conditions. Advanced modeling of protein sequence and biophysical properties (such as structural, functional, and spatial information, amino acid conservation, physicochemical variation, residue mobility, and thermodynamic stability) performed at Invitae indicates that this missense variant is expected to disrupt PNPT1 protein function. In summary, the available evidence is currently insufficient to determine the role of this variant in disease. Therefore, it has been classified as a Variant of Uncertain Significance.

NM_033109.5(PNPT1):c.1355C>T (p.Ala452Val)

Gene: PNPT1 (polyribonucleotide nucleotidyltransferase 1; minus strand). Cytogenetic location: 2p16.1.
Variant type: single nucleotide variant.
Coding change: c.1355C>T on transcript NM_033109.5 (MANE Select); coding-DNA position 1355, C replaced by T.
Protein change: p.Ala452Val; replaces alanine 452 with valine.
Molecular consequence: missense variant.
Genome position (GRCh38, 1-based): chr2:55,656,217, G>A on the plus strand (C>T on the coding strand, the complement: PNPT1 is on the minus strand). VCF-style: chr2-55656217-G-A. GRCh37 (hg19) VCF-style: chr2-55883352-G-A.
Other names: c.1355C>T (NM_033109.4); short protein forms A452V.
Identifiers: ClinVar variation 1491298 (VCV001491298.4), dbSNP rs376803449, ClinGen allele CA1668097.